The following is an entry in ClinVar:

NM_000077.5(CDKN2A):c.458-11G>A

Gene: CDKN2A (cyclin dependent kinase inhibitor 2A; minus strand). Cytogenetic location: 9p21.3.
Variant type: single nucleotide variant.
Coding change: c.458-11G>A on transcript NM_000077.5 (MANE Select); 11 bases into the intron before coding-DNA position 458, G replaced by A.
Molecular consequence: intron variant.
Genome position (GRCh38, 1-based): chr9:21,968,253, C>T on the plus strand (G>A on the coding strand, the complement: CDKN2A is on the minus strand). VCF-style: chr9-21968253-C-T. GRCh37 (hg19) VCF-style: chr9-21968252-C-T.
Other names: c.305-11G>A (NM_001363763.2); c.*102-11G>A (NM_058195.4); c.*151-11G>A (NM_001195132.2); c.*381-11G>A (NM_058197.5).
Identifiers: ClinVar variation 4294264 (VCV004294264.1).

ClinVar aggregate classification (germline): Likely benign (1 of 4 stars; one submission).

Conditions:
Melanoma-pancreatic cancer syndrome. Identifiers: Orphanet 404560, MedGen C1838547, MONDO:0011713, OMIM 606719. Disease mechanism: loss of function.

Submission:

Myriad Genetics, Inc.
Classification: Likely benign for Melanoma-pancreatic cancer syndrome. Last evaluated: 2025-08-19. Review status: criteria provided, single submitter. Criteria: Myriad Autosomal Dominant, Autosomal Recessive and X-Linked Classification Criteria (2023). Collection method: clinical testing. Allele origin: unknown.
Comment: This variant is considered likely benign. This variant is intronic and is not expected to impact mRNA splicing.